The following is an entry in ClinVar:

NM_001378454.1(ALMS1):c.11293_11296dup (p.Leu3766fs)

Gene: ALMS1 (ALMS1 centrosome and basal body associated protein; plus strand). Cytogenetic location: 2p13.1.
Variant type: Microsatellite.
Coding change: c.11293_11296dup on transcript NM_001378454.1 (MANE Select); coding-DNA positions 11293 to 11296, 4 bases duplicated (ATAT; older notation c.11293_11296dupATAT).
Protein change: p.Leu3766fs; shifts the reading frame from leucine 3766.
Molecular consequence: frameshift variant.
Genome position (GRCh38, 1-based): chr2:73,573,170-73,573,173, ATAT duplicated; duplicating any 4 consecutive bases within chr2:73,573,168-73,573,173 gives the same sequence; the c. name uses the placement nearest the transcript's 3' end. VCF-style (leftmost placement, unchanged base first): chr2-73573167-G-GATAT. GRCh37 (hg19) VCF-style: chr2-73800294-G-GATAT.
Other names: c.11296_11299dup, p.Leu3767fs (NM_015120.4); c.11296_11299dupATAT (NM_015120.4); short protein forms L3766fs, L3767fs.
Identifiers: ClinVar variation 3630042 (VCV003630042.1).

ClinVar aggregate classification (germline): Pathogenic (1 of 4 stars; one submission).

Conditions:
Alstrom syndrome (ALMS). Identifiers: Orphanet 64, MedGen C0268425, MONDO:0008763, OMIM 203800.

Submission:

Women's Health and Genetics/Laboratory Corporation of America, LabCorp
Classification: Pathogenic for Alstrom syndrome. Last evaluated: 2024-11-18. Review status: criteria provided, single submitter. Criteria: LabCorp Variant Classification Summary - May 2015. Collection method: clinical testing. Allele origin: germline.
Comment: Variant summary: ALMS1 c.11290_11293dupATAT (p.Leu3765TyrfsX7) results in a premature termination codon, predicted to cause a truncation of the encoded protein or absence of the protein due to nonsense mediated decay, which are commonly known mechanisms for disease. The variant was absent in 247832 control chromosomes. To our knowledge, no occurrence of c.11290_11293dupATAT in individuals affected with Alstrom Syndrome and no experimental evidence demonstrating its impact on protein function have been reported. No submitters have cited clinical-significance assessments for this variant to ClinVar. Based on the evidence outlined above, the variant was classified as pathogenic.